The following is an entry in ClinVar:

ClinVar aggregate classification (germline): Uncertain significance. Review status: criteria provided, multiple submitters, no conflicts (2 of 4 stars). 2 submissions from 2 submitters: Uncertain significance (2). Last evaluated 2023-06-22.

Conditions:
Inborn genetic diseases. Identifiers: MedGen C0950123, MeSH D030342.

Allele frequency attached by ClinVar (database versions not stated): TOPMed 0.00002; ExAC 0.00004; gnomAD exomes 0.00005; gnomAD 0.00007; 1000 Genomes Project 30x 0.00016; 1000 Genomes Project 0.00020.
gnomAD v4.1: 79 of 1,614,086 alleles (0.0049%); highest among the groups gnomAD compares: Non-Finnish European, 0.0042%; no homozygotes.

Submissions (2):

Ambry Genetics
Classification: Uncertain significance for Inborn genetic diseases. Last evaluated: 2023-06-22. Review status: criteria provided, single submitter. Criteria: Ambry Variant Classification Scheme 2023. Collection method: clinical testing. Allele origin: germline.

Labcorp Genetics (formerly Invitae), Labcorp
Classification: Uncertain significance. Last evaluated: 2022-09-17. Review status: criteria provided, single submitter. Criteria: Invitae Variant Classification Sherloc (09022015). Collection method: clinical testing. Allele origin: germline.
Comment: In summary, the available evidence is currently insufficient to determine the role of this variant in disease. Therefore, it has been classified as a Variant of Uncertain Significance. Advanced modeling of protein sequence and biophysical properties (such as structural, functional, and spatial information, amino acid conservation, physicochemical variation, residue mobility, and thermodynamic stability) performed at Invitae indicates that this missense variant is not expected to disrupt DDX58 protein function. This variant has not been reported in the literature in individuals affected with DDX58-related conditions. This variant is present in population databases (rs190936151, gnomAD 0.02%). This sequence change replaces glutamic acid, which is acidic and polar, with lysine, which is basic and polar, at codon 607 of the DDX58 protein (p.Glu607Lys).

NM_014314.4(RIGI):c.1819G>A (p.Glu607Lys)

Gene: RIGI (RNA sensor RIG-I; minus strand). Cytogenetic location: 9p21.1.
Variant type: single nucleotide variant.
Coding change: c.1819G>A on transcript NM_014314.4 (MANE Select); coding-DNA position 1819, G replaced by A.
Protein change: p.Glu607Lys; replaces glutamic acid 607 with lysine.
Molecular consequence: missense variant.
Genome position (GRCh38, 1-based): chr9:32,477,087, C>T on the plus strand (G>A on the coding strand, the complement: RIGI is on the minus strand). VCF-style: chr9-32477087-C-T. GRCh37 (hg19) VCF-style: chr9-32477085-C-T.
Other names: c.1819G>A (NM_014314.3); c.1813G>A, p.Glu605Lys (NM_001385907.1); c.1819G>A, p.Glu607Lys (NM_001385909.1); c.1378G>A, p.Glu460Lys (NM_001385910.1); c.1210G>A, p.Glu404Lys (NM_001385912.1); c.1804G>A, p.Glu602Lys (NM_001385913.1); c.1375G>A, p.Glu459Lys (NM_001385914.1); short protein forms E404K, E459K, E602K, E460K, E607K, E605K.
Identifiers: ClinVar variation 1930448 (VCV001930448.7), dbSNP rs190936151, ClinGen allele CA5019665.